The following is an entry in ClinVar:

NM_001563.4(IMPG1):c.347G>A (p.Arg116His)

Gene: IMPG1 (interphotoreceptor matrix proteoglycan 1; minus strand). Cytogenetic location: 6q14.1.
Variant type: single nucleotide variant.
Coding change: c.347G>A on transcript NM_001563.4 (MANE Select); coding-DNA position 347, G replaced by A.
Protein change: p.Arg116His; replaces arginine 116 with histidine.
Molecular consequence: missense variant.
Genome position (GRCh38, 1-based): chr6:76,034,742, C>T on the plus strand (G>A on the coding strand, the complement: IMPG1 is on the minus strand). VCF-style: chr6-76034742-C-T. GRCh37 (hg19) VCF-style: chr6-76744459-C-T.
Other names: c.347G>A (NM_001563.2, NM_001563.3); c.113G>A, p.Arg38His (NM_001282368.2); short protein forms R38H, R116H.
Identifiers: ClinVar variation 1443404 (VCV001443404.10), dbSNP rs376461756, ClinGen allele CA3898561.

ClinVar aggregate classification (germline): Conflicting classifications of pathogenicity. Review status: criteria provided, conflicting classifications (1 of 4 stars). 5 submissions from 5 submitters: Uncertain significance (4); Benign (1). Last evaluated 2025-11-24.

Conditions:
IMPG1-related disorder. Also called: IMPG1-related condition.
Retinal dystrophy. Also called: Inherited retinal dystrophy. Identifiers: Orphanet 71862, MedGen C0854723, MeSH D058499, MONDO:0019118, HP:0000556.

Allele frequency attached by ClinVar (database versions not stated): gnomAD 0.00001 and 0.00004; TOPMed 0.00003; ESP Exome Variant Server 0.00008; gnomAD exomes 0.00010 and 0.00011; ExAC 0.00012.
gnomAD v4.1: 169 of 1,613,990 alleles (0.01%); highest among the groups gnomAD compares: South Asian, 0.047%; 2 homozygotes.

Submissions (5):

Ambry Genetics
Classification: Uncertain significance. Last evaluated: 2025-11-24. Review status: criteria provided, single submitter. Criteria: Ambry Variant Classification Scheme 2023. Collection method: clinical testing. Allele origin: germline.

Labcorp Genetics (formerly Invitae), Labcorp
Classification: Uncertain significance. Last evaluated: 2025-07-14. Review status: criteria provided, single submitter. Criteria: Invitae Variant Classification Sherloc (09022015). Collection method: clinical testing. Allele origin: germline.
Comment: This sequence change replaces arginine, which is basic and polar, with histidine, which is basic and polar, at codon 116 of the IMPG1 protein (p.Arg116His). This variant is present in population databases (rs376461756, gnomAD 0.04%). This variant has not been reported in the literature in individuals affected with IMPG1-related conditions. ClinVar contains an entry for this variant (Variation ID: 1443404). An algorithm developed to predict the effect of missense changes on protein structure and function (PolyPhen-2) suggests that this variant is likely to be disruptive. In summary, the available evidence is currently insufficient to determine the role of this variant in disease. Therefore, it has been classified as a Variant of Uncertain Significance.

PreventionGenetics, part of Exact Sciences
Classification: Uncertain significance for IMPG1-related condition. Last evaluated: 2025-03-28. Review status: criteria provided, single submitter. Criteria: ACMG Guidelines, 2015. Collection method: clinical testing. Allele origin: germline.
Comment: The IMPG1 c.347G>A variant is predicted to result in the amino acid substitution p.Arg116His. To our knowledge, this variant has not been reported in the literature. This variant is reported in 0.039% of alleles in individuals of South Asian descent in gnomAD. At this time, the clinical significance of this variant is uncertain due to the absence of conclusive functional and genetic evidence.

Blueprint Genetics
Classification: Uncertain significance. Last evaluated: 2024-04-29. Review status: criteria provided, single submitter. Criteria: ACMG Guidelines, 2015. Collection method: clinical testing. Allele origin: germline.

Dept Of Ophthalmology, Nagoya University
Classification: Benign for Retinal dystrophy. Last evaluated: 2023-10-01. Review status: criteria provided, single submitter. Criteria: Submitter's publication. Collection method: research. Allele origin: germline. Affected: yes.